The following is an entry in ClinVar:

ClinVar aggregate classification (germline): Uncertain significance (1 of 4 stars; one submission).

Allele frequency attached by ClinVar (database versions not stated): gnomAD exomes 0.00001.
gnomAD v4.1: 13 of 1,614,194 alleles (0.00081%); highest among the groups gnomAD compares: Non-Finnish European, 0.00093%; no homozygotes.

Submission:

Labcorp Genetics (formerly Invitae), Labcorp
Classification: Uncertain significance. Last evaluated: 2021-08-24. Review status: criteria provided, single submitter. Criteria: Invitae Variant Classification Sherloc (09022015). Collection method: clinical testing. Allele origin: germline.
Comment: This sequence change replaces aspartic acid with glutamic acid at codon 2800 of the SZT2 protein (p.Asp2800Glu). The aspartic acid residue is highly conserved and there is a small physicochemical difference between aspartic acid and glutamic acid. This variant is not present in population databases (ExAC no frequency). This variant has not been reported in the literature in individuals affected with SZT2-related conditions. Algorithms developed to predict the effect of missense changes on protein structure and function (SIFT, PolyPhen-2, Align-GVGD) all suggest that this variant is likely to be tolerated. In summary, the available evidence is currently insufficient to determine the role of this variant in disease. Therefore, it has been classified as a Variant of Uncertain Significance.

NM_001365999.1(SZT2):c.8571C>A (p.Asp2857Glu)

Gene: SZT2 (SZT2 subunit of KICSTOR complex; plus strand). Cytogenetic location: 1p34.2.
Variant type: single nucleotide variant.
Coding change: c.8571C>A on transcript NM_001365999.1 (MANE Select); coding-DNA position 8571, C replaced by A.
Protein change: p.Asp2857Glu; replaces aspartic acid 2857 with glutamic acid.
Molecular consequence: missense variant.
Genome position (GRCh38, 1-based): chr1:43,443,423, C>A. VCF-style: chr1-43443423-C-A. GRCh37 (hg19) VCF-style: chr1-43909094-C-A.
Other names: c.8400C>A, p.Asp2800Glu (NM_015284.4); short protein forms D2800E, D2857E.
Identifiers: ClinVar variation 972412 (VCV000972412.7), dbSNP rs1655300411, ClinGen allele CA340039646.